The following is an entry in ClinVar:

ClinVar aggregate classification (germline): Uncertain significance. Review status: criteria provided, multiple submitters, no conflicts (2 of 4 stars). 4 submissions from 4 submitters: Uncertain significance (4). Last evaluated 2026-03-03.

Conditions:
Oligodontia-cancer predisposition syndrome. Also called: TOOTH AGENESIS-COLORECTAL CANCER SYNDROME. Identifiers: Orphanet 300576, MedGen C1837750, MONDO:0012075, OMIM 608615. Disease mechanism: loss of function.
Hereditary cancer-predisposing syndrome. Also called: Tumor predisposition; Neoplastic Syndromes, Hereditary; Hereditary Cancer Syndrome; Hereditary neoplastic syndrome. Identifiers: Orphanet 140162, MedGen C0027672, MeSH D009386, MONDO:0015356.

Allele frequency attached by ClinVar (database versions not stated): TOPMed 0.00001; ESP Exome Variant Server 0.00008.

Submissions (4):

Ambry Genetics
Classification: Uncertain significance for Hereditary cancer-predisposing syndrome. Last evaluated: 2026-03-03. Review status: criteria provided, single submitter. Criteria: Ambry Variant Classification Scheme 2023. Collection method: clinical testing. Allele origin: germline.
Comment: The p.R388H variant (also known as c.1163G>A), located in coding exon 4 of the AXIN2 gene, results from a G to A substitution at nucleotide position 1163. The arginine at codon 388 is replaced by histidine, an amino acid with highly similar properties. This amino acid position is well conserved in available vertebrate species. In addition, this alteration is predicted to be tolerated by in silico analysis. Based on the available evidence, the clinical significance of this variant remains unclear.

St. Jude Molecular Pathology, St. Jude Children's Research Hospital
Classification: Uncertain significance for Oligodontia-cancer predisposition syndrome. Last evaluated: 2026-02-20. Review status: criteria provided, single submitter. Criteria: St. Jude Assertion Criteria 2020. Collection method: clinical testing. Allele origin: germline.
Comment: The AXIN2 c.1163G>A p.(Arg388His) missense change has a maximum subpopulation frequency of 0.0062% in gnomAD v2.1.1. The in silico tool REVEL predicts a benign effect on protein function, but this prediction has not been confirmed by functional studies. To our knowledge, this variant has not been reported in the literature in individuals with oligodontia-cancer predisposition syndrome. In summary, the evidence currently available is insuffic ient to determine the clinical significance of this variant. It has therefore been classified as of uncertain significance.

Labcorp Genetics (formerly Invitae), Labcorp
Classification: Uncertain significance for Oligodontia-cancer predisposition syndrome. Last evaluated: 2025-12-29. Review status: criteria provided, single submitter. Criteria: Invitae Variant Classification Sherloc (09022015). Collection method: clinical testing. Allele origin: germline.
Comment: This sequence change replaces arginine, which is basic and polar, with histidine, which is basic and polar, at codon 388 of the AXIN2 protein (p.Arg388His). This variant is present in population databases (rs368502813, gnomAD 0.007%). This variant has not been reported in the literature in individuals affected with AXIN2-related conditions. ClinVar contains an entry for this variant (Variation ID: 818462). Invitae Evidence Modeling of protein sequence and biophysical properties (such as structural, functional, and spatial information, amino acid conservation, physicochemical variation, residue mobility, and thermodynamic stability) indicates that this missense variant is not expected to disrupt AXIN2 protein function with a negative predictive value of 80%. In summary, the available evidence is currently insufficient to determine the role of this variant in disease. Therefore, it has been classified as a Variant of Uncertain Significance.

GeneDx
Classification: Uncertain significance. Last evaluated: 2022-10-11. Review status: criteria provided, single submitter. Criteria: GeneDx Variant Classification Process June 2021. Collection method: clinical testing. Allele origin: germline. Affected: yes.
Comment: Not observed at significant frequency in large population cohorts (gnomAD); In silico analysis supports that this missense variant does not alter protein structure/function; Has not been previously published as pathogenic or benign to our knowledge; This variant is associated with the following publications: (PMID: 15735151)

NM_004655.4(AXIN2):c.1163G>A (p.Arg388His)

Gene: AXIN2 (axin 2; minus strand). Cytogenetic location: 17q24.1.
Variant type: single nucleotide variant.
Coding change: c.1163G>A on transcript NM_004655.4 (MANE Select); coding-DNA position 1163, G replaced by A.
Protein change: p.Arg388His; replaces arginine 388 with histidine.
Molecular consequence: missense variant.
Genome position (GRCh38, 1-based): chr17:65,538,240, C>T on the plus strand (G>A on the coding strand, the complement: AXIN2 is on the minus strand). VCF-style: chr17-65538240-C-T. GRCh37 (hg19) VCF-style: chr17-63534358-C-T.
Other names: c.1163G>A, p.Arg388His (NM_001363813.1); short protein forms R388H.
Identifiers: ClinVar variation 818462 (VCV000818462.17), dbSNP rs368502813, ClinGen allele CA8718850.